The following is an entry in ClinVar:

ClinVar aggregate classification (germline): Uncertain significance (1 of 4 stars; one submission).

Conditions:
Brody myopathy. Also called: BRODY DISEASE. Identifiers: Orphanet 53347, MedGen C1832918, MONDO:0010977, OMIM 601003.

Allele frequency attached by ClinVar (database versions not stated): ExAC 0.00001; gnomAD 0.00001; TOPMed 0.00001; gnomAD exomes 0.00002.
gnomAD v4.1: 25 of 1,614,050 alleles (0.0015%); highest among the groups gnomAD compares: African/African-American, 0.0027%; no homozygotes.

Submission:

Labcorp Genetics (formerly Invitae), Labcorp
Classification: Uncertain significance for Brody myopathy. Last evaluated: 2025-08-11. Review status: criteria provided, single submitter. Criteria: Invitae Variant Classification Sherloc (09022015). Collection method: clinical testing. Allele origin: germline.
Comment: This sequence change replaces isoleucine, which is neutral and non-polar, with threonine, which is neutral and polar, at codon 687 of the ATP2A1 protein (p.Ile687Thr). This variant is present in population databases (rs761806925, gnomAD 0.003%). This variant has not been reported in the literature in individuals affected with ATP2A1-related conditions. ClinVar contains an entry for this variant (Variation ID: 1017865). An algorithm developed to predict the effect of missense changes on protein structure and function (PolyPhen-2) suggests that this variant is likely to be disruptive. In summary, the available evidence is currently insufficient to determine the role of this variant in disease. Therefore, it has been classified as a Variant of Uncertain Significance.

NM_004320.6(ATP2A1):c.2060T>C (p.Ile687Thr)

Gene: ATP2A1 (ATPase sarcoplasmic/endoplasmic reticulum Ca2+ transporting 1; plus strand). Cytogenetic location: 16p11.2.
Variant type: single nucleotide variant.
Coding change: c.2060T>C on transcript NM_004320.6 (MANE Select); coding-DNA position 2060, T replaced by C.
Protein change: p.Ile687Thr; replaces isoleucine 687 with threonine.
Molecular consequence: missense variant.
Genome position (GRCh38, 1-based): chr16:28,900,876, T>C. VCF-style: chr16-28900876-T-C. GRCh37 (hg19) VCF-style: chr16-28912197-T-C.
Other names: c.1685T>C, p.Ile562Thr (NM_001286075.2); c.2060T>C, p.Ile687Thr (NM_173201.5); short protein forms I562T, I687T.
Identifiers: ClinVar variation 1017865 (VCV001017865.7), dbSNP rs761806925, ClinGen allele CA7987158.